The following is an entry in ClinVar:

NM_001042472.3(ABHD12):c.1148G>A (p.Arg383Gln)

Gene: ABHD12 (abhydrolase domain containing 12, lysophospholipase; minus strand). Cytogenetic location: 20p11.21.
Variant type: single nucleotide variant.
Coding change: c.1148G>A on transcript NM_001042472.3 (MANE Select); coding-DNA position 1148, G replaced by A.
Protein change: p.Arg383Gln; replaces arginine 383 with glutamine.
Molecular consequence: missense variant.
Genome position (GRCh38, 1-based): chr20:25,302,228, C>T on the plus strand (G>A on the coding strand, the complement: ABHD12 is on the minus strand). VCF-style: chr20-25302228-C-T. GRCh37 (hg19) VCF-style: chr20-25282864-C-T.
Other names: c.1148G>A, p.Arg383Gln (NM_015600.5); short protein forms R383Q.
Identifiers: ClinVar variation 960335 (VCV000960335.13), dbSNP rs139135254, ClinGen allele CA9795815.

ClinVar aggregate classification (germline): Conflicting classifications of pathogenicity. Review status: criteria provided, conflicting classifications (1 of 4 stars). 5 submissions from 5 submitters: Uncertain significance (1); Benign (1); Likely benign (2). 1 of the submissions does not count toward it. Last evaluated 2025-04-29.

Conditions:
ABHD12-related disorder. Also called: ABHD12-related condition.

Allele frequency attached by ClinVar (database versions not stated): 1000 Genomes Project 30x 0.00094; gnomAD exomes 0.00017; ExAC 0.00019; gnomAD 0.00046 and 0.00047; TOPMed 0.00052; ESP Exome Variant Server 0.00062; 1000 Genomes Project 0.00080.
gnomAD v4.1: 166 of 1,613,362 alleles (0.01%); highest among the groups gnomAD compares: African/African-American, 0.17%; no homozygotes.

Submissions (5):

Women's Health and Genetics/Laboratory Corporation of America, LabCorp
Classification: Likely benign. Last evaluated: 2025-04-29. Review status: criteria provided, single submitter. Criteria: LabCorp Variant Classification Summary - May 2015. Collection method: clinical testing. Allele origin: germline.
Comment: Variant summary: ABHD12 c.1148G>A (p.Arg383Gln) results in a conservative amino acid change in the encoded protein sequence. Four of five in-silico tools predict a benign effect of the variant on protein function. The variant allele was found at a frequency of 0.0001 in 1606962 control chromosomes, predominantly at a frequency of 0.0017 within the African or African-American subpopulation in the gnomAD database (v4.1 dataset). The observed variant frequency within African or African-American control individuals in the gnomAD database is approximately 1.5-fold of the estimated maximal expected allele frequency for a pathogenic variant in ABHD12 causing PHARC syndrome phenotype (0.0011). To our knowledge, no occurrence of c.1148G>A in individuals affected with PHARC syndrome and no experimental evidence demonstrating its impact on protein function have been reported. ClinVar contains an entry for this variant (Variation ID: 960335). Based on the evidence outlined above, the variant was classified as likely benign.

Labcorp Genetics (formerly Invitae), Labcorp
Classification: Uncertain significance. Last evaluated: 2024-01-15. Review status: criteria provided, single submitter. Criteria: Invitae Variant Classification Sherloc (09022015). Collection method: clinical testing. Allele origin: germline.
Comment: This sequence change replaces arginine, which is basic and polar, with glutamine, which is neutral and polar, at codon 383 of the ABHD12 protein (p.Arg383Gln). This variant is present in population databases (rs139135254, gnomAD 0.2%). This variant has not been reported in the literature in individuals affected with ABHD12-related conditions. ClinVar contains an entry for this variant (Variation ID: 960335). Advanced modeling of protein sequence and biophysical properties (such as structural, functional, and spatial information, amino acid conservation, physicochemical variation, residue mobility, and thermodynamic stability) performed at Invitae indicates that this missense variant is not expected to disrupt ABHD12 protein function with a negative predictive value of 80%. In summary, the available evidence is currently insufficient to determine the role of this variant in disease. Therefore, it has been classified as a Variant of Uncertain Significance.

Blueprint Genetics
Classification: Benign. Last evaluated: 2022-11-04. Review status: criteria provided, single submitter. Criteria: ACMG Guidelines, 2015. Collection method: clinical testing. Allele origin: germline.

GeneDx
Classification: Likely benign. Last evaluated: 2020-01-29. Review status: criteria provided, single submitter. Criteria: GeneDx Variant Classification Process June 2021. Collection method: clinical testing. Allele origin: germline. Affected: yes.

PreventionGenetics, part of Exact Sciences
Classification: Likely benign for ABHD12-related condition. Last evaluated: 2024-06-26. Review status: no assertion criteria provided. Collection method: clinical testing. Allele origin: germline. Not counted in ClinVar's aggregate classification.
Comment: This variant is classified as likely benign based on ACMG/AMP sequence variant interpretation guidelines (Richards et al. 2015 PMID: 25741868, with internal and published modifications).